The following is an entry in ClinVar:

NM_006393.3(NEBL):c.1009G>T (p.Val337Leu)

Gene: NEBL (nebulette; minus strand). Cytogenetic location: 10p12.31.
Variant type: single nucleotide variant.
Coding change: c.1009G>T on transcript NM_006393.3 (MANE Select); coding-DNA position 1009, G replaced by T.
Protein change: p.Val337Leu; replaces valine 337 with leucine.
Molecular consequence: missense variant. On other transcripts: intron variant (9).
Genome position (GRCh38, 1-based): chr10:20,850,502, C>A on the plus strand (G>T on the coding strand, the complement: NEBL is on the minus strand). VCF-style: chr10-20850502-C-A. GRCh37 (hg19) VCF-style: chr10-21139431-C-A.
Other names: c.250-37562G>T (NM_001377326.1, NM_001377327.1, NM_001377328.1); c.358-37562G>T (NM_213569.2, NM_001173484.2, NM_001377322.1); c.301-37562G>T (NM_001377324.1); c.292-37562G>T (NM_001377325.1); c.310-37562G>T (NM_001377323.1); short protein forms V337L.
Identifiers: ClinVar variation 2152985 (VCV002152985.5), dbSNP rs763750199, ClinGen allele CA5432986.
Genomic context (GRCh38, chr10:20,850,502, plus strand): 5'-TCTCAACAAATTCAAGCATTGGCTTTCCCTTATTTTTCTCATATTCTTCTTTATATTTCA[C>A]CTTCATTGGAAAAAGAAAAGCATATACAAATCGAAAGTCCTTATACAAACAGAGCAAACT-3'
Protein context (NP_006384.1, residues 327-347): HKGNAVLQSQ[Val337Leu]KYKEEYEKNK

ClinVar aggregate classification (germline): Uncertain significance. Review status: criteria provided, multiple submitters, no conflicts (2 of 4 stars). 2 submissions from 2 submitters: Uncertain significance (2). Last evaluated 2025-03-02.

Conditions:
Primary dilated cardiomyopathy (DCM). Also called: Dilated Cardiomyopathy. Identifiers: Orphanet 217604, MedGen C0007193, MeSH D002311, MONDO:0005021, HP:0001644. Inheritance: Various modes of inheritance.

Allele frequency attached by ClinVar (database versions not stated): TOPMed below 0.00001; ExAC 0.00001.
gnomAD v4.1: 1 of 1,575,976 alleles (0.000063%); highest among the groups gnomAD compares: Non-Finnish European, 0.000087%; no homozygotes.

Submissions (2):

Ambry Genetics
Classification: Uncertain significance. Last evaluated: 2025-03-02. Review status: criteria provided, single submitter. Criteria: Ambry Variant Classification Scheme 2023. Collection method: clinical testing. Allele origin: germline.
Comment: The p.V337L variant (also known as c.1009G>T) is located in coding exon 11 of the NEBL gene. The valine at codon 337 is replaced by leucine, an amino acid with highly similar properties. This change occurs in the first base pair of coding exon 11. This amino acid position is conserved. In addition, this alteration is predicted to be tolerated by in silico analysis. Based on the available evidence, the clinical significance of this variant remains unclear.

Labcorp Genetics (formerly Invitae), Labcorp
Classification: Uncertain significance for Primary dilated cardiomyopathy. Last evaluated: 2022-03-20. Review status: criteria provided, single submitter. Criteria: Invitae Variant Classification Sherloc (09022015). Collection method: clinical testing. Allele origin: germline.
Comment: In summary, the available evidence is currently insufficient to determine the role of this variant in disease. Therefore, it has been classified as a Variant of Uncertain Significance. Algorithms developed to predict the effect of sequence changes on RNA splicing suggest that this variant may disrupt the consensus splice site. Algorithms developed to predict the effect of missense changes on protein structure and function are either unavailable or do not agree on the potential impact of this missense change (SIFT: "Deleterious"; PolyPhen-2: "Possibly Damaging"; Align-GVGD: "Class C0"). This variant has not been reported in the literature in individuals affected with NEBL-related conditions. This variant is present in population databases (rs763750199, gnomAD 0.0009%). This sequence change replaces valine, which is neutral and non-polar, with leucine, which is neutral and non-polar, at codon 337 of the NEBL protein (p.Val337Leu).